The following is an entry in ClinVar:

NM_001110556.2(FLNA):c.7555C>T (p.Pro2519Ser)

Genes: FLNA (filamin A; minus strand), LOC107988032 (Xq28 proximal FLNA-EMD recombination region; plus strand). Cytogenetic location: Xq28.
Variant type: single nucleotide variant.
Coding change: c.7555C>T on transcript NM_001110556.2 (MANE Select); coding-DNA position 7555, C replaced by T.
Protein change: p.Pro2519Ser; replaces proline 2519 with serine.
Molecular consequence: missense variant.
Genome position (GRCh38, 1-based): chrX:154,349,563, G>A on the plus strand (C>T on the coding strand, the complement: FLNA is on the minus strand). VCF-style: chrX-154349563-G-A. GRCh37 (hg19) VCF-style: chrX-153577931-G-A.
Other names: c.7531C>T, p.Pro2511Ser (NM_001456.4); short protein forms P2511S, P2519S.
Identifiers: ClinVar variation 465022 (VCV000465022.15), dbSNP rs782383611, ClinGen allele CA10559870.
Genomic context (GRCh38, chrX:154,349,563, plus strand): 5'-TCAGAGAGTCTACAAACACTGATGATGTCTCGTGGAGGCTGTGGTTGCTGACGAGACGGG[G>A]GCCTGCAAGGCAGAGTGGGTGGGGCTAAGAGGTGGCTGTGGTGCCGGGCGTTGGGCAGAT-3'
Protein context (NP_001104026.1, residues 2509-2529): GSPFKAKVTG[Pro2519Ser]RLVSNHSLHE

ClinVar aggregate classification (germline): Conflicting classifications of pathogenicity. Review status: criteria provided, conflicting classifications (1 of 4 stars). 4 submissions from 4 submitters: Uncertain significance (2); Likely benign (2). Last evaluated 2025-05-23.

Conditions:
Oto-palato-digital syndrome, type II (OPD2). Also called: FACIOPALATOOSSEOUS SYNDROME; Otopalatodigital Syndrome Type 2 (FLNA-OPD2); OPD II SYNDROME; Otopalatodigital Syndrome, Type II. Identifiers: Orphanet 669, Orphanet 90652, MedGen C1844696, MONDO:0010571, OMIM 304120.
Frontometaphyseal dysplasia (FMD1). Identifiers: Orphanet 1826, MedGen C0265293, MONDO:0015942.
Melnick-Needles syndrome (MNS). Also called: Melnick-Needles Syndrome (FLNA-MNS); MELNICK-NEEDLES OSTEODYSPLASTY; OSTEODYSPLASTY OF MELNICK AND NEEDLES. Identifiers: Orphanet 2484, MedGen C0025237, MONDO:0010650, OMIM 309350.
Heterotopia, periventricular, X-linked dominant (PVNH1). Also called: PERIVENTRICULAR NODULAR HETEROTOPIA 1; X-linked periventricular heterotopia; PERIVENTRICULAR NODULAR HETEROTOPIA 4; HETEROTOPIA, PERIVENTRICULAR, 1. Identifiers: Orphanet 2149, Orphanet 82004, MedGen C1848213, MONDO:0010233, OMIM 300049.
Familial thoracic aortic aneurysm and aortic dissection (TAAD). Also called: Thoracic aortic aneurysms and dissections. Identifiers: Orphanet 91387, MedGen C4707243, MONDO:0019625.

Allele frequency attached by ClinVar (database versions not stated): gnomAD 0.00001; TOPMed 0.00002; gnomAD exomes 0.00003 and 0.00006; ExAC 0.00006.
gnomAD v4.1: 65 of 1,211,108 alleles (0.0054%); highest among the groups gnomAD compares: Non-Finnish European, 0.0071%; no homozygotes.

Submissions (4):

Labcorp Genetics (formerly Invitae), Labcorp
Classification: Uncertain significance for Oto-palato-digital syndrome, type II; Heterotopia, periventricular, X-linked dominant; Frontometaphyseal dysplasia; Melnick-Needles syndrome. Last evaluated: 2025-05-23. Review status: criteria provided, single submitter. Criteria: Invitae Variant Classification Sherloc (09022015). Collection method: clinical testing. Allele origin: germline.
Comment: This sequence change replaces proline, which is neutral and non-polar, with serine, which is neutral and polar, at codon 2511 of the FLNA protein (p.Pro2511Ser). This variant is present in population databases (rs782383611, gnomAD 0.008%). This variant has not been reported in the literature in individuals affected with FLNA-related conditions. ClinVar contains an entry for this variant (Variation ID: 465022). An algorithm developed to predict the effect of missense changes on protein structure and function (PolyPhen-2) suggests that this variant is likely to be tolerated. In summary, the available evidence is currently insufficient to determine the role of this variant in disease. Therefore, it has been classified as a Variant of Uncertain Significance.

Blueprint Genetics
Classification: Likely benign. Last evaluated: 2023-02-15. Review status: criteria provided, single submitter. Criteria: ACMG Guidelines, 2015. Collection method: clinical testing. Allele origin: germline.

Ambry Genetics
Classification: Uncertain significance for Familial thoracic aortic aneurysm and aortic dissection. Last evaluated: 2019-12-12. Review status: criteria provided, single submitter. Criteria: Ambry Variant Classification Scheme 2023. Collection method: clinical testing. Allele origin: germline.
Comment: The p.P2511S variant (also known as c.7531C>T), located in coding exon 45 of the FLNA gene, results from a C to T substitution at nucleotide position 7531. The proline at codon 2511 is replaced by serine, an amino acid with similar properties. This amino acid position is not well conserved in available vertebrate species, and serine is the reference amino acid in other vertebrate species. In addition, this alteration is predicted to be tolerated by in silico analysis. Since supporting evidence is limited at this time, the clinical significance of this alteration remains unclear.

GeneDx
Classification: Likely benign. Last evaluated: 2019-01-15. Review status: criteria provided, single submitter. Criteria: GeneDx Variant Classification Process June 2021. Collection method: clinical testing. Allele origin: germline. Affected: yes.